The following is an entry in ClinVar:

ClinVar aggregate classification (germline): Uncertain significance (1 of 4 stars; one submission).

Conditions:
Mendelian susceptibility to mycobacterial diseases due to complete IL12RB1 deficiency. Also called: IL12RB1 DEFICIENCY; Immunodeficiency 30. Identifiers: Orphanet 319552, MedGen C4013949, MONDO:0013955, OMIM 614891.

Allele frequency attached by ClinVar (database versions not stated): ExAC 0.00001; gnomAD 0.00001; TOPMed 0.00001; ESP Exome Variant Server 0.00008.
gnomAD v4.1: 4 of 1,607,930 alleles (0.00025%); highest among the groups gnomAD compares: African/African-American, 0.0013%; no homozygotes.

Submission:

Labcorp Genetics (formerly Invitae), Labcorp
Classification: Uncertain significance for Mendelian susceptibility to mycobacterial diseases due to complete IL12RB1 deficiency. Last evaluated: 2022-08-20. Review status: criteria provided, single submitter. Criteria: Invitae Variant Classification Sherloc (09022015). Collection method: clinical testing. Allele origin: germline.
Comment: This variant is present in population databases (rs367944399, gnomAD 0.004%). In summary, the available evidence is currently insufficient to determine the role of this variant in disease. Therefore, it has been classified as a Variant of Uncertain Significance. Variants that disrupt the consensus splice site are a relatively common cause of aberrant splicing (PMID: 17576681, 9536098). Algorithms developed to predict the effect of missense changes on protein structure and function (SIFT, PolyPhen-2, Align-GVGD) all suggest that this variant is likely to be tolerated. This variant has not been reported in the literature in individuals affected with IL12RB1-related conditions. This sequence change replaces alanine, which is neutral and non-polar, with threonine, which is neutral and polar, at codon 443 of the IL12RB1 protein (p.Ala443Thr). This variant also falls at the last nucleotide of exon 11, which is part of the consensus splice site for this exon.

Literature cited by the submitters: PubMed 17576681; PubMed 9536098.

NM_005535.3(IL12RB1):c.1327G>A (p.Ala443Thr)

Gene: IL12RB1 (interleukin 12 receptor subunit beta 1; minus strand). Cytogenetic location: 19p13.11.
Variant type: single nucleotide variant.
Coding change: c.1327G>A on transcript NM_005535.3 (MANE Select); coding-DNA position 1327, G replaced by A.
Protein change: p.Ala443Thr; replaces alanine 443 with threonine.
Molecular consequence: missense variant.
Genome position (GRCh38, 1-based): chr19:18,068,389, C>T on the plus strand (G>A on the coding strand, the complement: IL12RB1 is on the minus strand). VCF-style: chr19-18068389-C-T. GRCh37 (hg19) VCF-style: chr19-18179199-C-T.
Other names: c.1327G>A, p.Ala443Thr (NM_001290023.2); c.1447G>A, p.Ala483Thr (NM_001290024.2); short protein forms A443T, A483T.
Identifiers: ClinVar variation 2135405 (VCV002135405.3), dbSNP rs367944399, ClinGen allele CA9304882.